The following is an entry in ClinVar:

NM_001297.5(CNGB1):c.805C>T (p.Gln269Ter)

Gene: CNGB1 (cyclic nucleotide gated channel subunit beta 1; minus strand). Cytogenetic location: 16q21.
Variant type: single nucleotide variant.
Coding change: c.805C>T on transcript NM_001297.5 (MANE Select); coding-DNA position 805, C replaced by T.
Protein change: p.Gln269Ter; replaces glutamine 269 with a stop codon.
Molecular consequence: nonsense.
Genome position (GRCh38, 1-based): chr16:57,958,442, G>A on the plus strand (C>T on the coding strand, the complement: CNGB1 is on the minus strand). VCF-style: chr16-57958442-G-A. GRCh37 (hg19) VCF-style: chr16-57992346-G-A.
Other names: c.805C>T, p.Gln269Ter (NM_001135639.2); c.787C>T, p.Gln263Ter (NM_001286130.2); short protein forms Q263*, Q269*.
Identifiers: ClinVar variation 959815 (VCV000959815.9), dbSNP rs753776329, ClinGen allele CA8083679.

ClinVar aggregate classification (germline): Pathogenic/Likely pathogenic. Review status: criteria provided, multiple submitters, no conflicts (2 of 4 stars). 3 submissions from 3 submitters: Pathogenic (2); Likely pathogenic (1). Last evaluated 2024-01-23.

Conditions:
CNGB1-related disorder. Also called: CNGB1-related condition.
Retinitis pigmentosa 45 (RP45). Identifiers: Orphanet 791, MedGen C3151066, MONDO:0013413, OMIM 613767.

Allele frequency attached by ClinVar (database versions not stated): gnomAD exomes below 0.00001 and 0.00001; ExAC 0.00001; gnomAD 0.00001; TOPMed 0.00001.
gnomAD v4.1: 6 of 1,608,272 alleles (0.00037%); highest among the groups gnomAD compares: East Asian, 0.011%; no homozygotes.

Submissions (3):

3billion
Classification: Pathogenic for Retinitis pigmentosa 45. Last evaluated: 2024-01-23. Review status: criteria provided, single submitter. Criteria: ACMG Guidelines, 2015. Collection method: clinical testing. Allele origin: germline. Affected: yes.
Comment: The variant is observed at an extremely low frequency in the gnomAD v2.1.1 dataset (total allele frequency: 0.001%). Predicted Consequence/Location: Stop-gained (nonsense): predicted to result in a loss or disruption of normal protein function through nonsense-mediated decay (NMD) or protein truncation. Multiple pathogenic variants are reported downstream of the variant. The variant has been reported to be associated with CNGB1 related disorder (ClinVar ID: VCV000959815). Therefore, this variant is classified as Pathogenic according to the recommendation of ACMG/AMP guideline.

Labcorp Genetics (formerly Invitae), Labcorp
Classification: Pathogenic. Last evaluated: 2022-11-08. Review status: criteria provided, single submitter. Criteria: Invitae Variant Classification Sherloc (09022015). Collection method: clinical testing. Allele origin: germline.
Comment: This sequence change creates a premature translational stop signal (p.Gln269*) in the CNGB1 gene. It is expected to result in an absent or disrupted protein product. Loss-of-function variants in CNGB1 are known to be pathogenic (PMID: 15557452, 24043777). For these reasons, this variant has been classified as Pathogenic. Algorithms developed to predict the effect of sequence changes on RNA splicing suggest that this variant may disrupt the consensus splice site. ClinVar contains an entry for this variant (Variation ID: 959815). This variant has not been reported in the literature in individuals affected with CNGB1-related conditions. This variant is present in population databases (rs753776329, gnomAD 0.02%).

Blueprint Genetics
Classification: Likely pathogenic for CNGB1-related disorders. Last evaluated: 2021-06-07. Review status: criteria provided, single submitter. Criteria: ACMG Guidelines, 2015. Collection method: clinical testing. Allele origin: germline. Affected: yes. Observed: 2 variant alleles.

Literature cited by the submitters: PubMed 15557452 (cited by Labcorp Genetics (formerly Invitae), Labcorp); PubMed 24043777 (cited by Labcorp Genetics (formerly Invitae), Labcorp).